The following is an entry in ClinVar:

ClinVar aggregate classification (germline): Likely pathogenic. Review status: criteria provided, multiple submitters, no conflicts (2 of 4 stars). 2 submissions from 2 submitters: Likely pathogenic (2). Last evaluated 2026-07-21.

Conditions:
Intellectual developmental disorder with speech delay, dysmorphic facies, and t-cell abnormalities. Also called: BCL11B-related BAFopathy. Identifiers: Orphanet 662829, MedGen C4748152, MONDO:0060763, OMIM 618092.

Submissions (2):

Undiagnosed Diseases Network, NIH
Classification: Likely pathogenic for Intellectual developmental disorder with speech delay, dysmorphic facies, and t-cell abnormalities. Last evaluated: 2026-07-21. Review status: criteria provided, single submitter. Criteria: ACMG Guidelines, 2015. Collection method: clinical testing. Allele origin: paternal. Inheritance: Autosomal dominant inheritance. Affected: yes. Observed: 4 variant alleles, 4 heterozygotes. Clinical features observed: Short chin (HP:0000331), Ptosis (HP:0000508), Compulsive behaviors (HP:0000722), Anxiety (HP:0000739), Delayed speech and language development (HP:0000750), Reduced eye contact (HP:0000817), Dysarthria (HP:0001260), Gait disturbance (HP:0001288), Generalized hypotonia (HP:0001290), Dystonic disorder (HP:0001332), Clubfoot (HP:0001762), Limb hypertonia (HP:0002509), and 7 more. Study: Undiagnosed Diseases Network, UDN.
Comment: Neighboring residue is listed as pathogenic in ClinVar. Segrates with affected individuals in the family.

GeneDx
Classification: Likely pathogenic. Last evaluated: 2024-10-25. Review status: criteria provided, single submitter. Criteria: GeneDx Variant Classification Process June 2021. Collection method: clinical testing. Allele origin: germline. Affected: yes.
Comment: Not observed at significant frequency in large population cohorts (gnomAD); In silico analysis supports that this missense variant has a deleterious effect on protein structure/function; Has not been previously published as pathogenic or benign to our knowledge; This variant is associated with the following publications: (PMID: Lane2024[Poster])

Literature cited by the submitters: PubMed 39798569 (cited by Undiagnosed Diseases Network, NIH).

NM_138576.4(BCL11B):c.2422T>C (p.Cys808Arg)

Gene: BCL11B (BCL11 transcription factor B; minus strand). Cytogenetic location: 14q32.2.
Variant type: single nucleotide variant.
Coding change: c.2422T>C on transcript NM_138576.4 (MANE Select); coding-DNA position 2422, T replaced by C.
Protein change: p.Cys808Arg; replaces cysteine 808 with arginine.
Molecular consequence: missense variant.
Genome position (GRCh38, 1-based): chr14:99,174,414, A>G on the plus strand (T>C on the coding strand, the complement: BCL11B is on the minus strand). VCF-style: chr14-99174414-A-G. GRCh37 (hg19) VCF-style: chr14-99640751-A-G.
Other names: p.C808R; c.2419T>C, p.Cys807Arg (NM_001282237.2); c.2206T>C, p.Cys736Arg (NM_001282238.2); c.2209T>C, p.Cys737Arg (NM_022898.3); short protein forms C736R, C737R, C807R, C808R.
Identifiers: ClinVar variation 3893379 (VCV003893379.2).